The following is an entry in ClinVar:

NM_003482.4(KMT2D):c.9301C>A (p.Pro3101Thr)

Gene: KMT2D (lysine methyltransferase 2D; minus strand). Cytogenetic location: 12q13.12.
Variant type: single nucleotide variant.
Coding change: c.9301C>A on transcript NM_003482.4 (MANE Select); coding-DNA position 9301, C replaced by A.
Protein change: p.Pro3101Thr; replaces proline 3101 with threonine.
Molecular consequence: missense variant.
Genome position (GRCh38, 1-based): chr12:49,038,055, G>T on the plus strand (C>A on the coding strand, the complement: KMT2D is on the minus strand). VCF-style: chr12-49038055-G-T. GRCh37 (hg19) VCF-style: chr12-49431838-G-T.
Other names: short protein forms P3101T.
Identifiers: ClinVar variation 2798073 (VCV002798073.3), dbSNP rs2120489793, ClinGen allele CA384738906.

ClinVar aggregate classification (germline): Uncertain significance (1 of 4 stars; one submission).

Conditions:
Kabuki syndrome. Also called: Kabuki make-up syndrome; NIIKAWA-KUROKI SYNDROME. Identifiers: Orphanet 2322, MedGen C0796004, MONDO:0016512.

Submission:

Labcorp Genetics (formerly Invitae), Labcorp
Classification: Uncertain significance for Kabuki syndrome. Last evaluated: 2023-05-23. Review status: criteria provided, single submitter. Criteria: Invitae Variant Classification Sherloc (09022015). Collection method: clinical testing. Allele origin: germline.
Comment: Advanced modeling of protein sequence and biophysical properties (such as structural, functional, and spatial information, amino acid conservation, physicochemical variation, residue mobility, and thermodynamic stability) performed at Invitae indicates that this missense variant is not expected to disrupt KMT2D protein function. This variant has not been reported in the literature in individuals affected with KMT2D-related conditions. This variant is not present in population databases (gnomAD no frequency). This sequence change replaces proline, which is neutral and non-polar, with threonine, which is neutral and polar, at codon 3101 of the KMT2D protein (p.Pro3101Thr). In summary, the available evidence is currently insufficient to determine the role of this variant in disease. Therefore, it has been classified as a Variant of Uncertain Significance.